The following is an entry in ClinVar:

NM_001267550.2(TTN):c.81673G>A (p.Val27225Ile)

Genes: TTN (titin; minus strand), TTN-AS1 (TTN antisense RNA 1; plus strand). Cytogenetic location: 2q31.2.
Variant type: single nucleotide variant.
Coding change: c.81673G>A on transcript NM_001267550.2 (MANE Select); coding-DNA position 81673, G replaced by A.
Protein change: p.Val27225Ile; replaces valine 27225 with isoleucine.
Molecular consequence: missense variant.
Genome position (GRCh38, 1-based): chr2:178,564,459, C>T on the plus strand (G>A on the coding strand, the complement: TTN is on the minus strand). VCF-style: chr2-178564459-C-T. GRCh37 (hg19) VCF-style: chr2-179429186-C-T.
Other names: c.73969G>A, p.Val24657Ile (NM_133378.4); c.76750G>A, p.Val25584Ile (NM_001256850.1); c.54478G>A, p.Val18160Ile (NM_003319.4); c.54853G>A, p.Val18285Ile (NM_133432.3); c.55054G>A, p.Val18352Ile (NM_133437.4); short protein forms V24657I, V27225I, V18160I, V18352I, V18285I, V25584I.
Identifiers: ClinVar variation 229524 (VCV000229524.17), dbSNP rs375211424, ClinGen allele CA1989171.

ClinVar aggregate classification (germline): Conflicting classifications of pathogenicity. Review status: criteria provided, conflicting classifications (1 of 4 stars). 7 submissions from 7 submitters: Uncertain significance (6); Likely benign (1). Last evaluated 2026-05-07.

Conditions:
TTN-related disorder. Also called: TTN-related disorders; TTN-related condition; TTN-related disease.
Cardiovascular phenotype. Identifiers: MedGen CN230736.
Dilated cardiomyopathy 1G (CMD1G). Identifiers: Orphanet 154, MedGen C1858763, MONDO:0011400, OMIM 604145.
Early-onset myopathy with fatal cardiomyopathy (CMYO5). Also called: CONGENITAL MYOPATHY 5 WITH CARDIOMYOPATHY; Salih Myopathy. Identifiers: Orphanet 289377, MedGen C2673677, MONDO:0012714, OMIM 611705. Disease mechanism: loss of function.
Autosomal recessive limb-girdle muscular dystrophy type 2J (LGMDR10). Also called: Limb-girdle muscular dystrophy, type 2J; MUSCULAR DYSTROPHY, LIMB-GIRDLE, AUTOSOMAL RECESSIVE 10. Identifiers: Orphanet 140922, MedGen C1837342, MONDO:0012127, OMIM 608807.
Tibial muscular dystrophy (TMD). Also called: Tibial muscular dystrophy, tardive; Udd Distal Myopathy – Tibial Muscular Dystrophy; UDD MYOPATHY. Identifiers: Orphanet 609, MedGen C1838244, MONDO:0010870, OMIM 600334.
Myopathy, myofibrillar, 9, with early respiratory failure (MFM9). Also called: Myopathy, distal, with early respiratory failure, autosomal dominant; MYOPATHY, PROXIMAL, WITH EARLY RESPIRATORY MUSCLE INVOLVEMENT; Hereditary myopathy with early respiratory failure; EDSTROM MYOPATHY. Identifiers: Orphanet 178464, Orphanet 34521, MedGen C1863599, MONDO:0011362, OMIM 603689.
Hypertrophic cardiomyopathy 9. Also called: Familial hypertrophic cardiomyopathy 9. Identifiers: MedGen C1861065, MONDO:0013412, OMIM 613765.

Allele frequency attached by ClinVar (database versions not stated): ExAC 0.00008; ESP Exome Variant Server 0.00008; gnomAD exomes 0.00009; 1000 Genomes Project 30x 0.00016; gnomAD 0.00016 and 0.00017; 1000 Genomes Project 0.00020; TOPMed 0.00036.
gnomAD v4.1: 92 of 1,612,150 alleles (0.0057%); highest among the groups gnomAD compares: Admixed American, 0.044%; no homozygotes.

Submissions (7):

PreventionGenetics, part of Exact Sciences
Classification: Uncertain significance for TTN-related condition. Last evaluated: 2026-05-07. Review status: criteria provided, single submitter. Criteria: ACMG Guidelines, 2015. Collection method: clinical testing. Allele origin: germline.
Comment: The TTN c.81673G>A variant is predicted to result in the amino acid substitution p.Val27225Ile. To our knowledge, this variant has not been reported in the literature. This variant is reported in 0.026% of alleles in individuals of South Asian descent in gnomAD. At this time, the clinical significance of this variant is uncertain due to the absence of conclusive functional and genetic evidence.

Blueprint Genetics
Classification: Likely benign. Last evaluated: 2024-11-15. Review status: criteria provided, single submitter. Criteria: ACMG Guidelines, 2015. Collection method: clinical testing. Allele origin: germline.

Fulgent Genetics
Classification: Uncertain significance for Tibial muscular dystrophy; Myopathy, myofibrillar, 9, with early respiratory failure; Dilated cardiomyopathy 1G; Autosomal recessive limb-girdle muscular dystrophy type 2J; Early-onset myopathy with fatal cardiomyopathy; Hypertrophic cardiomyopathy 9. Last evaluated: 2021-12-20. Review status: criteria provided, single submitter. Criteria: ACMG Guidelines, 2015. Collection method: clinical testing. Allele origin: unknown.

Revvity Omics, Revvity
Classification: Uncertain significance. Last evaluated: 2020-09-18. Review status: criteria provided, single submitter. Criteria: ACMG Guidelines, 2015. Collection method: clinical testing. Allele origin: germline.

Ambry Genetics
Classification: Uncertain significance for Cardiovascular phenotype. Last evaluated: 2019-08-16. Review status: criteria provided, single submitter. Criteria: Ambry Variant Classification Scheme 2023. Collection method: clinical testing. Allele origin: germline.
Comment: The p.V18160I variant (also known as c.54478G>A), located in coding exon 153 of the TTN gene, results from a G to A substitution at nucleotide position 54478. The valine at codon 18160 is replaced by isoleucine, an amino acid with highly similar properties. This amino acid position is well conserved in available vertebrate species; however, isoleucine is the reference amino acid in other vertebrate species. In addition, this alteration is predicted to be tolerated by in silico analysis. Since supporting evidence is limited at this time, the clinical significance of this alteration remains unclear.

Eurofins Ntd Llc (ga)
Classification: Uncertain significance. Last evaluated: 2016-08-25. Review status: criteria provided, single submitter. Criteria: EGL Classification Definitions 2015. Collection method: clinical testing. Allele origin: germline. Observed: 2 variant alleles, 2 heterozygotes.

Laboratory for Molecular Medicine, Mass General Brigham Personalized Medicine
Classification: Uncertain significance. Last evaluated: 2016-04-01. Review status: criteria provided, single submitter. Criteria: LMM Criteria. Collection method: clinical testing. Allele origin: germline. Observed: 1 variant allele.
Comment: Variant classified as Uncertain Significance - Favor Benign. The p.Val24657Ile v ariant in TTN has not been previously reported in individuals with cardiomyopath y. It has been identified in 4/15984 South Asian and 3/10544 Latino chromosomes by the Exome Aggregation Consortium (ExAC; dbSNP rs375211424). Valine (Val) at position 24657 is not conserved in mammals or evo lutionarily distant species and >10 species carry an isoleucine (Ile), raising t he possibility that this change may be tolerated. Additional computational predi ction tools do not provide strong support for or against an impact to the protei n. In summary, while the clinical significance of the p.Val24657Ile variant is u ncertain, these data suggest that it is more likely to be benign.